The following is an entry in ClinVar:

NM_001142616.3(EHBP1):c.582A>G (p.Glu194=)

Gene: EHBP1 (EH domain binding protein 1; plus strand). Cytogenetic location: 2p15.
Variant type: single nucleotide variant.
Coding change: c.582A>G on transcript NM_001142616.3 (MANE Select); coding-DNA position 582, A replaced by G.
Protein change: p.Glu194=; no amino-acid change (glutamic acid 194 retained).
Molecular consequence: synonymous variant.
Genome position (GRCh38, 1-based): chr2:62,831,106, A>G. VCF-style: chr2-62831106-A-G. GRCh37 (hg19) VCF-style: chr2-63058241-A-G.
Other names: c.582A>G, p.Glu194= (NM_001142614.2, NM_001142615.3, NM_001354212.1 and 11 more transcripts).
Identifiers: ClinVar variation 3042677 (VCV003042677.2), dbSNP rs530128518, ClinGen allele CA1680881.

ClinVar aggregate classification (germline): Benign (0 of 4 stars; one submission).

Conditions:
EHBP1-related disorder. Also called: EHBP1-related condition.

Allele frequency attached by ClinVar (database versions not stated): TOPMed 0.00012; gnomAD 0.00043; gnomAD exomes 0.00073; ExAC 0.00158; 1000 Genomes Project 0.00200; 1000 Genomes Project 30x 0.00250.
gnomAD v4.1: 1,137 of 1,610,058 alleles (0.071%); highest among the groups gnomAD compares: South Asian, 1.2%; 21 homozygotes.

Submission:

PreventionGenetics, part of Exact Sciences
Classification: Benign for EHBP1-related condition. Last evaluated: 2019-06-30. Review status: no assertion criteria provided. Collection method: clinical testing. Allele origin: germline.
Comment: This variant is classified as benign based on ACMG/AMP sequence variant interpretation guidelines (Richards et al. 2015 PMID: 25741868, with internal and published modifications).